The following is an entry in ClinVar:

NM_019842.4(KCNQ5):c.1143C>T (p.Tyr381=)

Gene: KCNQ5 (potassium voltage-gated channel subfamily Q member 5; plus strand). Cytogenetic location: 6q13.
Variant type: single nucleotide variant.
Coding change: c.1143C>T on transcript NM_019842.4 (MANE Select); coding-DNA position 1143, C replaced by T.
Protein change: p.Tyr381=; no amino-acid change (tyrosine 381 retained).
Molecular consequence: synonymous variant.
Genome position (GRCh38, 1-based): chr6:73,120,500, C>T. VCF-style: chr6-73120500-C-T. GRCh37 (hg19) VCF-style: chr6-73830223-C-T.
Other names: c.1143C>T, p.Tyr381= (NM_001160130.2, NM_001160132.2, NM_001160133.2 and 1 more transcripts).
Identifiers: ClinVar variation 1585168 (VCV001585168.33), dbSNP rs144427126, ClinGen allele CA3886915.

ClinVar aggregate classification (germline): Likely benign. Review status: criteria provided, multiple submitters, no conflicts (2 of 4 stars). 3 submissions from 3 submitters: Likely benign (3). Last evaluated 2026-08-01.

Allele frequency attached by ClinVar (database versions not stated): gnomAD 0.00005 and 0.00006; TOPMed 0.00005; gnomAD exomes 0.00006; ExAC 0.00007; ESP Exome Variant Server 0.00008.
gnomAD v4.1: 108 of 1,612,350 alleles (0.0067%); highest among the groups gnomAD compares: Middle Eastern, 0.016%; no homozygotes.

Submissions (3):

CeGaT Center for Human Genetics Tuebingen
Classification: Likely benign. Last evaluated: 2026-08-01. Review status: criteria provided, single submitter. Criteria: CeGaT Center For Human Genetics Tuebingen Variant Classification Criteria Version 2. Collection method: clinical testing. Allele origin: germline. Affected: yes. Observed: 4 variant alleles.
Comment: KCNQ5: BP4, BP7

Labcorp Genetics (formerly Invitae), Labcorp
Classification: Likely benign. Last evaluated: 2025-12-08. Review status: criteria provided, single submitter. Criteria: Invitae Variant Classification Sherloc (09022015). Collection method: clinical testing. Allele origin: germline.

Blueprint Genetics
Classification: Likely benign. Last evaluated: 2024-06-27. Review status: criteria provided, single submitter. Criteria: ACMG Guidelines, 2015. Collection method: clinical testing. Allele origin: germline.